The following is an entry in ClinVar:

ClinVar aggregate classification (germline): Uncertain significance (1 of 4 stars; one submission).

Conditions:
Werner syndrome (WRN). Identifiers: Orphanet 902, MedGen C0043119, MONDO:0010196, OMIM 277700.

Submission:

Labcorp Genetics (formerly Invitae), Labcorp
Classification: Uncertain significance for Werner syndrome. Last evaluated: 2024-04-05. Review status: criteria provided, single submitter. Criteria: Invitae Variant Classification Sherloc (09022015). Collection method: clinical testing. Allele origin: germline.
Comment: This sequence change replaces threonine, which is neutral and polar, with isoleucine, which is neutral and non-polar, at codon 955 of the WRN protein (p.Thr955Ile). This variant is not present in population databases (gnomAD no frequency). This variant has not been reported in the literature in individuals affected with WRN-related conditions. ClinVar contains an entry for this variant (Variation ID: 1355210). An algorithm developed to predict the effect of missense changes on protein structure and function (PolyPhen-2) suggests that this variant is likely to be tolerated. In summary, the available evidence is currently insufficient to determine the role of this variant in disease. Therefore, it has been classified as a Variant of Uncertain Significance.

NM_000553.6(WRN):c.2864C>T (p.Thr955Ile)

Gene: WRN (WRN RecQ like helicase; plus strand). Cytogenetic location: 8p12.
Variant type: single nucleotide variant.
Coding change: c.2864C>T on transcript NM_000553.6 (MANE Select); coding-DNA position 2864, C replaced by T.
Protein change: p.Thr955Ile; replaces threonine 955 with isoleucine.
Molecular consequence: missense variant.
Genome position (GRCh38, 1-based): chr8:31,132,403, C>T. VCF-style: chr8-31132403-C-T. GRCh37 (hg19) VCF-style: chr8-30989919-C-T.
Other names: short protein forms T955I.
Identifiers: ClinVar variation 1355210 (VCV001355210.8), dbSNP rs2130376802, ClinGen allele CA370918917.